The following is an entry in ClinVar:

NM_001184880.2(PCDH19):c.1104C>G (p.Ile368Met)

Gene: PCDH19 (protocadherin 19; minus strand). Cytogenetic location: Xq22.1.
Variant type: single nucleotide variant.
Coding change: c.1104C>G on transcript NM_001184880.2 (MANE Select); coding-DNA position 1104, C replaced by G.
Protein change: p.Ile368Met; replaces isoleucine 368 with methionine.
Molecular consequence: missense variant.
Genome position (GRCh38, 1-based): chrX:100,407,494, G>C on the plus strand (C>G on the coding strand, the complement: PCDH19 is on the minus strand). VCF-style: chrX-100407494-G-C. GRCh37 (hg19) VCF-style: chrX-99662492-G-C.
Other names: c.1104C>G, p.Ile368Met (NM_001105243.2, NM_020766.3); short protein forms I368M.
Identifiers: ClinVar variation 2807133 (VCV002807133.3), dbSNP rs2520985824, ClinGen allele CA414004197.

ClinVar aggregate classification (germline): Uncertain significance (1 of 4 stars; one submission).

Conditions:
Developmental and epileptic encephalopathy, 9 (DEE9). Also called: Early infantile epileptic encephalopathy 9; JUBERG-HELLMAN SYNDROME; PCDH19-Related X-Linked Female-Limited Epilepsy with Mental Retardation; EPILEPSY, FEMALE-RESTRICTED, WITH MENTAL RETARDATION. Identifiers: Orphanet 101039, Orphanet 2076, MedGen C1848137, MONDO:0010246, OMIM 300088. Disease mechanism: loss of function.

Submission:

Labcorp Genetics (formerly Invitae), Labcorp
Classification: Uncertain significance for Developmental and epileptic encephalopathy, 9. Last evaluated: 2023-12-09. Review status: criteria provided, single submitter. Criteria: Invitae Variant Classification Sherloc (09022015). Collection method: clinical testing. Allele origin: germline.
Comment: This sequence change replaces isoleucine, which is neutral and non-polar, with methionine, which is neutral and non-polar, at codon 368 of the PCDH19 protein (p.Ile368Met). This variant is not present in population databases (gnomAD no frequency). This variant has not been reported in the literature in individuals affected with PCDH19-related conditions. Advanced modeling of protein sequence and biophysical properties (such as structural, functional, and spatial information, amino acid conservation, physicochemical variation, residue mobility, and thermodynamic stability) has been performed at Invitae for this missense variant, however the output from this modeling did not meet the statistical confidence thresholds required to predict the impact of this variant on PCDH19 protein function. In summary, the available evidence is currently insufficient to determine the role of this variant in disease. Therefore, it has been classified as a Variant of Uncertain Significance.